The following is an entry in ClinVar:

ClinVar aggregate classification (germline): Uncertain significance (1 of 4 stars; one submission).

Conditions:
BBS12-related disorder. Also called: BBS12-related condition.

Submission:

PreventionGenetics, part of Exact Sciences
Classification: Uncertain significance for BBS12-related condition. Last evaluated: 2025-03-10. Review status: criteria provided, single submitter. Criteria: ACMG Guidelines, 2015. Collection method: clinical testing. Allele origin: germline.
Comment: The BBS12 c.521A>C variant is predicted to result in the amino acid substitution p.His174Pro. To our knowledge, this variant has not been reported in the literature or in a large population database (gnomAD), indicating this variant is rare. At this time, the clinical significance of this variant is uncertain due to the absence of conclusive functional and genetic evidence.

NM_152618.3(BBS12):c.521A>C (p.His174Pro)

Gene: BBS12 (Bardet-Biedl syndrome 12; plus strand). Cytogenetic location: 4q27.
Variant type: single nucleotide variant.
Coding change: c.521A>C on transcript NM_152618.3 (MANE Select); coding-DNA position 521, A replaced by C.
Protein change: p.His174Pro; replaces histidine 174 with proline.
Molecular consequence: missense variant.
Genome position (GRCh38, 1-based): chr4:122,742,413, A>C. VCF-style: chr4-122742413-A-C. GRCh37 (hg19) VCF-style: chr4-123663568-A-C.
Other names: c.521A>C, p.His174Pro (NM_001178007.2); short protein forms H174P.
Identifiers: ClinVar variation 4999744 (VCV004999744.1).